The following is an entry in ClinVar:

NM_170707.4(LMNA):c.115A>C (p.Asn39His)

Gene: LMNA (lamin A/C; plus strand). Cytogenetic location: 1q22.
Variant type: single nucleotide variant.
Coding change: c.115A>C on transcript NM_170707.4 (MANE Select); coding-DNA position 115, A replaced by C.
Protein change: p.Asn39His; replaces asparagine 39 with histidine.
Molecular consequence: missense variant.
Genome position (GRCh38, 1-based): chr1:156,115,033, A>C. VCF-style: chr1-156115033-A-C. GRCh37 (hg19) VCF-style: chr1-156084824-A-C.
Other names: c.115A>C, p.Asn39His (NM_001282625.2, NM_001282626.2, NM_005572.4 and 1 more transcripts); short protein forms N39H.
Identifiers: ClinVar variation 935833 (VCV000935833.10), dbSNP rs267607627, ClinGen allele CA342807660.
Genomic context (GRCh38, chr1:156,115,033, plus strand): 5'-ACTCCGCTGTCGCCCACCCGCATCACCCGGCTGCAGGAGAAGGAGGACCTGCAGGAGCTC[A>C]ATGATCGCTTGGCGGTCTACATCGACCGTGTGCGCTCGCTGGAAACGGAGAACGCAGGGC-3'
Protein context (NP_733821.1, residues 29-49): LQEKEDLQEL[Asn39His]DRLAVYIDRV

ClinVar aggregate classification (germline): Likely pathogenic. Review status: criteria provided, multiple submitters, no conflicts (2 of 4 stars). 2 submissions from 2 submitters: Likely pathogenic (2). Last evaluated 2025-12-04.

Conditions:
Congenital muscular dystrophy due to LMNA mutation. Also called: Congenital muscular dystrophy, LMNA-related; Lamin A-related Congenital Muscular Dystrophy. Identifiers: Orphanet 157973, MedGen C2750785, MONDO:0013178, OMIM 613205.
Charcot-Marie-Tooth disease type 2. Also called: Charcot-Marie-Tooth type 2. Identifiers: Orphanet 64746, MedGen C0270914, MONDO:0018993.

Submissions (2):

3billion
Classification: Likely pathogenic for Congenital muscular dystrophy due to LMNA mutation. Last evaluated: 2025-12-04. Review status: criteria provided, single submitter. Criteria: ACMG Guidelines, 2015. Collection method: clinical testing. Allele origin: germline. Affected: yes.
Comment: The variant is not observed in the gnomAD v4.1.0 dataset. Predicted Consequence/Location: Missense variant In silico tool predictions suggest damaging effect of the variant on gene or gene product [REVEL: 0.94 (>=0.6, sensitivity 0.68 and specificity 0.92); 3Cnet: 0.99 (> 0.75, sensitivity 0.96 and precision 0.92)]. The same nucleotide change resulting in the same amino acid change has been previously reported to be associated with LMNA-related disorder (ClinVar ID: VCV000935833 /PMID: 30083363). Different missense changes at the same codon (p.Asn39Asp, p.Asn39Ile, p.Asn39Lys, p.Asn39Ser, p.Asn39Tyr) have been reported as pathogenic/likely pathogenic with strong evidence (ClinVar ID: VCV000066791, VCV000649203, VCV002098082, VCV002202857 /PMID: 18551513, 20837309, 21632249, 26098624, 34240052 /3billion dataset). Therefore, this variant is classified as Likely pathogenic according to the recommendation of ACMG/AMP guideline.

Labcorp Genetics (formerly Invitae), Labcorp
Classification: Likely pathogenic for Charcot-Marie-Tooth disease type 2. Last evaluated: 2022-11-29. Review status: criteria provided, single submitter. Criteria: Invitae Variant Classification Sherloc (09022015). Collection method: clinical testing. Allele origin: germline.
Comment: In summary, the currently available evidence indicates that the variant is pathogenic, but additional data are needed to prove that conclusively. Therefore, this variant has been classified as Likely Pathogenic. This variant disrupts the p.Asn39 amino acid residue in LMNA. Other variant(s) that disrupt this residue have been determined to be pathogenic (PMID: 17377071, 18551513, 21520333, 24508248). This suggests that this residue is clinically significant, and that variants that disrupt this residue are likely to be disease-causing. Advanced modeling of protein sequence and biophysical properties (such as structural, functional, and spatial information, amino acid conservation, physicochemical variation, residue mobility, and thermodynamic stability) performed at Invitae indicates that this missense variant is expected to disrupt LMNA protein function. ClinVar contains an entry for this variant (Variation ID: 935833). This missense change has been observed in individual(s) with autosomal dominant laminopathy (PMID: 30083363). This variant is not present in population databases (gnomAD no frequency). This sequence change replaces asparagine, which is neutral and polar, with histidine, which is basic and polar, at codon 39 of the LMNA protein (p.Asn39His).

Literature cited by the submitters: PubMed 30083363 (cited by 3billion and Labcorp Genetics (formerly Invitae), Labcorp); PubMed 18551513 (cited by 3billion and Labcorp Genetics (formerly Invitae), Labcorp); PubMed 17377071 (cited by Labcorp Genetics (formerly Invitae), Labcorp); PubMed 21520333 (cited by Labcorp Genetics (formerly Invitae), Labcorp); PubMed 24508248 (cited by Labcorp Genetics (formerly Invitae), Labcorp).